The following is an entry in ClinVar:

ClinVar aggregate classification (germline): Uncertain significance. Review status: criteria provided, multiple submitters, no conflicts (2 of 4 stars). 2 submissions from 2 submitters: Uncertain significance (2). Last evaluated 2026-03-24.

Conditions:
TUB-related disorder. Also called: TUB-related condition.

Allele frequency attached by ClinVar (database versions not stated): gnomAD 0.00001; gnomAD exomes 0.00001 and 0.00002; TOPMed 0.00001; ExAC 0.00002.
gnomAD v4.1: 23 of 1,614,056 alleles (0.0014%); highest among the groups gnomAD compares: Middle Eastern, 0.016%; no homozygotes.

Submissions (2):

PreventionGenetics, part of Exact Sciences
Classification: Uncertain significance for TUB-related condition. Last evaluated: 2026-03-24. Review status: criteria provided, single submitter. Criteria: ACMG Guidelines, 2015. Collection method: clinical testing. Allele origin: germline.
Comment: The TUB c.967C>T variant is predicted to result in the amino acid substitution p.Arg323Cys. To our knowledge, this variant has not been reported in the literature. This variant is reported in 0.0033% of alleles in individuals of South Asian descent in gnomAD. At this time, the clinical significance of this variant is uncertain due to the absence of conclusive functional and genetic evidence.

Labcorp Genetics (formerly Invitae), Labcorp
Classification: Uncertain significance. Last evaluated: 2022-02-04. Review status: criteria provided, single submitter. Criteria: Invitae Variant Classification Sherloc (09022015). Collection method: clinical testing. Allele origin: germline.
Comment: In summary, the available evidence is currently insufficient to determine the role of this variant in disease. Therefore, it has been classified as a Variant of Uncertain Significance. Algorithms developed to predict the effect of missense changes on protein structure and function are either unavailable or do not agree on the potential impact of this missense change (SIFT: "Deleterious"; PolyPhen-2: "Probably Damaging"; Align-GVGD: "Class C15"). This variant has not been reported in the literature in individuals affected with TUB-related conditions. This variant is present in population databases (rs750902007, gnomAD 0.003%). This sequence change replaces arginine, which is basic and polar, with cysteine, which is neutral and slightly polar, at codon 323 of the TUB protein (p.Arg323Cys).

NM_177972.3(TUB):c.802C>T (p.Arg268Cys)

Genes: RIC3 (RIC3 acetylcholine receptor chaperone; minus strand), TUB (TUB bipartite transcription factor; plus strand). Cytogenetic location: 11p15.4.
Variant type: single nucleotide variant.
Coding change: c.802C>T on transcript NM_177972.3 (MANE Select); coding-DNA position 802, C replaced by T.
Protein change: p.Arg268Cys; replaces arginine 268 with cysteine.
Molecular consequence: missense variant.
Genome position (GRCh38, 1-based): chr11:8,097,342, C>T. VCF-style: chr11-8097342-C-T. GRCh37 (hg19) VCF-style: chr11-8118889-C-T.
Other names: c.967C>T (NM_003320.4); c.967C>T, p.Arg323Cys (NM_003320.5); short protein forms R268C, R323C.
Identifiers: ClinVar variation 1375772 (VCV001375772.9), dbSNP rs750902007, ClinGen allele CA5871236.